The following is an entry in ClinVar:

NM_004055.5(CAPN5):c.1726C>A (p.Pro576Thr)

Gene: CAPN5 (calpain 5; plus strand). Cytogenetic location: 11q13.5.
Variant type: single nucleotide variant.
Coding change: c.1726C>A on transcript NM_004055.5 (MANE Select); coding-DNA position 1726, C replaced by A.
Protein change: p.Pro576Thr; replaces proline 576 with threonine.
Molecular consequence: missense variant.
Genome position (GRCh38, 1-based): chr11:77,122,698, C>A. VCF-style: chr11-77122698-C-A. GRCh37 (hg19) VCF-style: chr11-76833744-C-A.
Other names: c.1726C>A (NM_004055.4); short protein forms P576T.
Identifiers: ClinVar variation 1514904 (VCV001514904.7), dbSNP rs782134580, ClinGen allele CA6196884.

ClinVar aggregate classification (germline): Uncertain significance. Review status: criteria provided, multiple submitters, no conflicts (2 of 4 stars). 2 submissions from 2 submitters: Uncertain significance (2). Last evaluated 2024-08-29.

Conditions:
Inborn genetic diseases. Identifiers: MedGen C0950123, MeSH D030342.

Allele frequency attached by ClinVar (database versions not stated): ExAC 0.00002.
gnomAD v4.1: 119 of 1,613,474 alleles (0.0074%); highest among the groups gnomAD compares: Non-Finnish European, 0.0092%; no homozygotes.

Submissions (2):

Labcorp Genetics (formerly Invitae), Labcorp
Classification: Uncertain significance. Last evaluated: 2024-08-29. Review status: criteria provided, single submitter. Criteria: Invitae Variant Classification Sherloc (09022015). Collection method: clinical testing. Allele origin: germline.
Comment: This sequence change replaces proline, which is neutral and non-polar, with threonine, which is neutral and polar, at codon 576 of the CAPN5 protein (p.Pro576Thr). This variant is present in population databases (rs782134580, gnomAD 0.005%). This variant has not been reported in the literature in individuals affected with CAPN5-related conditions. ClinVar contains an entry for this variant (Variation ID: 1514904). An algorithm developed to predict the effect of missense changes on protein structure and function (PolyPhen-2) suggests that this variant is likely to be disruptive. In summary, the available evidence is currently insufficient to determine the role of this variant in disease. Therefore, it has been classified as a Variant of Uncertain Significance.

Ambry Genetics
Classification: Uncertain significance for Inborn genetic diseases. Last evaluated: 2022-11-07. Review status: criteria provided, single submitter. Criteria: Ambry Variant Classification Scheme 2023. Collection method: clinical testing. Allele origin: germline.